The following is an entry in ClinVar:

NM_000057.4(BLM):c.556T>C (p.Ser186Pro)

Gene: BLM (BLM RecQ like helicase; plus strand). Cytogenetic location: 15q26.1.
Variant type: single nucleotide variant.
Coding change: c.556T>C on transcript NM_000057.4 (MANE Select); coding-DNA position 556, T replaced by C.
Protein change: p.Ser186Pro; replaces serine 186 with proline.
Molecular consequence: missense variant. On other transcripts: 5 prime UTR variant (1).
Genome position (GRCh38, 1-based): chr15:90,749,824, T>C. VCF-style: chr15-90749824-T-C. GRCh37 (hg19) VCF-style: chr15-91293054-T-C.
Other names: c.556T>C, p.Ser186Pro (NM_001287246.2, NM_001287247.2); c.-736T>C (NM_001287248.2); short protein forms S186P.
Identifiers: ClinVar variation 1363564 (VCV001363564.11), dbSNP rs1253019128, ClinGen allele CA393841043.

ClinVar aggregate classification (germline): Uncertain significance. Review status: criteria provided, multiple submitters, no conflicts (2 of 4 stars). 2 submissions from 2 submitters: Uncertain significance (2). Last evaluated 2023-07-04.

Conditions:
Hereditary cancer-predisposing syndrome. Also called: Neoplastic Syndromes, Hereditary; Tumor predisposition; Hereditary neoplastic syndrome; Hereditary Cancer Syndrome. Identifiers: Orphanet 140162, MedGen C0027672, MeSH D009386, MONDO:0015356.
Bloom syndrome (BLM). Also called: Bloom-Torre-Machacek syndrome. Identifiers: Orphanet 125, MedGen C0005859, MONDO:0008876, OMIM 210900.

Allele frequency attached by ClinVar (database versions not stated): gnomAD exomes below 0.00001.

Submissions (2):

Ambry Genetics
Classification: Uncertain significance for Hereditary cancer-predisposing syndrome. Last evaluated: 2023-07-04. Review status: criteria provided, single submitter. Criteria: Ambry Variant Classification Scheme 2023. Collection method: clinical testing. Allele origin: germline.
Comment: The p.S186P variant (also known as c.556T>C), located in coding exon 2 of the BLM gene, results from a T to C substitution at nucleotide position 556. The serine at codon 186 is replaced by proline, an amino acid with similar properties. This amino acid position is conserved. In addition, this alteration is predicted to be tolerated by in silico analysis. Since supporting evidence is limited at this time, the clinical significance of this alteration remains unclear.

Labcorp Genetics (formerly Invitae), Labcorp
Classification: Uncertain significance for Bloom syndrome. Last evaluated: 2021-01-12. Review status: criteria provided, single submitter. Criteria: Invitae Variant Classification Sherloc (09022015). Collection method: clinical testing. Allele origin: germline.
Comment: In summary, the available evidence is currently insufficient to determine the role of this variant in disease. Therefore, it has been classified as a Variant of Uncertain Significance. Algorithms developed to predict the effect of missense changes on protein structure and function output the following: SIFT: "Tolerated"; PolyPhen-2: "Benign"; Align-GVGD: "Class C0". The proline amino acid residue is found in multiple mammalian species, suggesting that this missense change does not adversely affect protein function. These predictions have not been confirmed by published functional studies and their clinical significance is uncertain. This variant has not been reported in the literature in individuals with BLM-related conditions. This variant is not present in population databases (ExAC no frequency). This sequence change replaces serine with proline at codon 186 of the BLM protein (p.Ser186Pro). The serine residue is weakly conserved and there is a moderate physicochemical difference between serine and proline.